The following is an entry in ClinVar:

ClinVar aggregate classification (germline): Benign/Likely benign. Review status: criteria provided, multiple submitters, no conflicts (2 of 4 stars). 4 submissions from 4 submitters: Benign (1); Likely benign (3). Last evaluated 2026-07-14.

Conditions:
Hereditary cancer-predisposing syndrome. Also called: Tumor predisposition; Neoplastic Syndromes, Hereditary; Hereditary Cancer Syndrome; Hereditary neoplastic syndrome. Identifiers: Orphanet 140162, MedGen C0027672, MeSH D009386, MONDO:0015356.
Rhabdoid tumor predisposition syndrome 2 (RTPS2). Identifiers: Orphanet 231108, Orphanet 69077, MedGen C2750074, MONDO:0013224, OMIM 613325.

Allele frequency attached by ClinVar (database versions not stated): gnomAD 0.00001; TOPMed 0.00002.
gnomAD v4.1: 6 of 1,611,948 alleles (0.00037%); highest among the groups gnomAD compares: Non-Finnish European, 0.00051%; no homozygotes.

Submissions (4):

Myriad Genetics, Inc.
Classification: Benign for Rhabdoid tumor predisposition syndrome 2. Last evaluated: 2026-07-14. Review status: criteria provided, single submitter. Criteria: Myriad Autosomal Dominant, Autosomal Recessive and X-Linked Classification Criteria (2023). Collection method: clinical testing. Allele origin: unknown.
Comment: This variant is considered benign. This variant is a silent/synonymous amino acid change and it is not expected to impact splicing.

CeGaT Center for Human Genetics Tuebingen
Classification: Likely benign. Last evaluated: 2026-02-01. Review status: criteria provided, single submitter. Criteria: CeGaT Center For Human Genetics Tuebingen Variant Classification Criteria Version 2. Collection method: clinical testing. Allele origin: germline. Affected: yes. Observed: 2 variant alleles.
Comment: SMARCA4: BP4, BP7

Labcorp Genetics (formerly Invitae), Labcorp
Classification: Likely benign for Rhabdoid tumor predisposition syndrome 2. Last evaluated: 2025-12-22. Review status: criteria provided, single submitter. Criteria: Invitae Variant Classification Sherloc (09022015). Collection method: clinical testing. Allele origin: germline.

Ambry Genetics
Classification: Likely benign for Hereditary cancer-predisposing syndrome. Last evaluated: 2019-09-25. Review status: criteria provided, single submitter. Criteria: Ambry Variant Classification Scheme 2023. Collection method: clinical testing. Allele origin: germline.

NM_003072.5(SMARCA4):c.3165C>T (p.Ile1055=)

Gene: SMARCA4 (SWI/SNF related BAF chromatin remodeling complex subunit ATPase 4; plus strand). Cytogenetic location: 19p13.2.
Variant type: single nucleotide variant.
Coding change: c.3165C>T on transcript NM_003072.5 (MANE Select); coding-DNA position 3165, C replaced by T.
Protein change: p.Ile1055=; no amino-acid change (isoleucine 1055 retained).
Molecular consequence: synonymous variant. On other transcripts: non-coding transcript variant (1).
Genome position (GRCh38, 1-based): chr19:11,025,505, C>T. VCF-style: chr19-11025505-C-T. GRCh37 (hg19) VCF-style: chr19-11136181-C-T.
Other names: c.3165C>T, p.Ile1055= (NM_001128844.3, NM_001128845.2, NM_001128846.2 and 5 more transcripts).
Identifiers: ClinVar variation 537912 (VCV000537912.40), dbSNP rs774483875, ClinGen allele CA9204330.
Genomic context (GRCh38, chr19:11,025,505, plus strand): 5'-GATGAACACCATCATGCAGCTGCGGAAGATCTGCAACCACCCCTACATGTTCCAGCACAT[C>T]GAGGTGAGCCCGCCGCGGCTGGGACGGCTCAGGCCCTGCTGTCTGCTGAGCTCCTAGGCA-3'
Protein context (NP_003063.2, residues 1045-1065): ICNHPYMFQH[Ile1055=]EESFSEHLGF